The following is an entry in ClinVar:

ClinVar aggregate classification (germline): Uncertain significance (1 of 4 stars; one submission).

Conditions:
Rhabdoid tumor predisposition syndrome 2 (RTPS2). Identifiers: Orphanet 231108, Orphanet 69077, MedGen C2750074, MONDO:0013224, OMIM 613325.

Submission:

Labcorp Genetics (formerly Invitae), Labcorp
Classification: Uncertain significance for Rhabdoid tumor predisposition syndrome 2. Last evaluated: 2022-10-27. Review status: criteria provided, single submitter. Criteria: Invitae Variant Classification Sherloc (09022015). Collection method: clinical testing. Allele origin: germline.
Comment: This sequence change replaces threonine, which is neutral and polar, with arginine, which is basic and polar, at codon 629 of the SMARCA4 protein (p.Thr629Arg). This variant is not present in population databases (gnomAD no frequency). This variant has not been reported in the literature in individuals affected with SMARCA4-related conditions. Advanced modeling of protein sequence and biophysical properties (such as structural, functional, and spatial information, amino acid conservation, physicochemical variation, residue mobility, and thermodynamic stability) performed at Invitae indicates that this missense variant is not expected to disrupt SMARCA4 protein function. In summary, the available evidence is currently insufficient to determine the role of this variant in disease. Therefore, it has been classified as a Variant of Uncertain Significance.

NM_003072.5(SMARCA4):c.1886C>G (p.Thr629Arg)

Gene: SMARCA4 (SWI/SNF related BAF chromatin remodeling complex subunit ATPase 4; plus strand). Cytogenetic location: 19p13.2.
Variant type: single nucleotide variant.
Coding change: c.1886C>G on transcript NM_003072.5 (MANE Select); coding-DNA position 1886, C replaced by G.
Protein change: p.Thr629Arg; replaces threonine 629 with arginine.
Molecular consequence: missense variant. On other transcripts: non-coding transcript variant (1).
Genome position (GRCh38, 1-based): chr19:11,003,102, C>G. VCF-style: chr19-11003102-C-G. GRCh37 (hg19) VCF-style: chr19-11113778-C-G.
Other names: c.1886C>G, p.Thr629Arg (NM_001128844.3, NM_001128845.2, NM_001128846.2 and 6 more transcripts); short protein forms T629R.
Identifiers: ClinVar variation 2809878 (VCV002809878.3), dbSNP rs947818318, ClinGen allele CA404051606.
Genomic context (GRCh38, chr19:11,003,102, plus strand): 5'-CCAGCCAGATGAGCGACCTCCCGGTGAAGGTGATCCACGTGGAGAGTGGGAAGATCCTCA[C>G]AGGCACAGATGCCCCCAAAGCCGGGCAGCTGGAGGCCTGGCTCGAGATGAACCCGGGGTG-3'
Protein context (NP_003063.2, residues 619-639): VIHVESGKIL[Thr629Arg]GTDAPKAGQL